The following is an entry in ClinVar:

NM_014314.4(RIGI):c.799+4dup

Gene: RIGI (RNA sensor RIG-I; minus strand). Cytogenetic location: 9p21.1.
Variant type: Duplication.
Coding change: c.799+4dup on transcript NM_014314.4 (MANE Select); 4 bases into the intron after coding-DNA position 799, one base duplicated (A; older notation c.799+4dupA).
Molecular consequence: intron variant.
Genome position (GRCh38, 1-based): chr9:32,489,340, T duplicated on the plus strand (A on the coding strand, the reverse complement: RIGI is on the minus strand); the first of 2 consecutive T bases (chr9:32,489,340-32,489,341); duplicating either gives the same sequence. VCF-style (leftmost placement, unchanged base first): chr9-32489339-C-CT. GRCh37 (hg19) VCF-style: chr9-32489337-C-CT.
Other names: c.190+4dup (NM_001385912.1); c.784+4dup (NM_001385913.1); c.799+4dup (NM_001385907.1, NM_001385909.1); c.355+4dup (NM_001385914.1); c.358+4dup (NM_001385910.1).
Identifiers: ClinVar variation 1961075 (VCV001961075.5), dbSNP rs1824029549, ClinGen allele CA1844640824.

ClinVar aggregate classification (germline): Uncertain significance (1 of 4 stars; one submission).

Submission:

Labcorp Genetics (formerly Invitae), Labcorp
Classification: Uncertain significance. Last evaluated: 2024-10-29. Review status: criteria provided, single submitter. Criteria: Invitae Variant Classification Sherloc (09022015). Collection method: clinical testing. Allele origin: germline.
Comment: This sequence change falls in intron 6 of the DDX58 gene. It does not directly change the encoded amino acid sequence of the DDX58 protein. It affects a nucleotide within the consensus splice site. This variant is not present in population databases (gnomAD no frequency). This variant has not been reported in the literature in individuals affected with DDX58-related conditions. ClinVar contains an entry for this variant (Variation ID: 1961075). Variants that disrupt the consensus splice site are a relatively common cause of aberrant splicing (PMID: 17576681, 9536098). Algorithms developed to predict the effect of sequence changes on RNA splicing suggest that this variant is not likely to affect RNA splicing. In summary, the available evidence is currently insufficient to determine the role of this variant in disease. Therefore, it has been classified as a Variant of Uncertain Significance.

Literature cited by the submitters: PubMed 17576681; PubMed 9536098.